The following is an entry in ClinVar:

ClinVar aggregate classification (germline): Uncertain significance (1 of 4 stars; one submission).

Submission:

Dasa
Classification: Uncertain significance. Last evaluated: 2025-08-24. Review status: criteria provided, single submitter. Criteria: DASA Assertion Criteria. Collection method: clinical testing. Allele origin: germline.
Comment: NM_170601.5(SIAE):c.545-5A>C is a splice-region variant. This variant is absent from population databases. Computational prediction algorithms are consistent with a benign effect. The currently available literature and clinical evidence are not sufficient to establish a definitive association between this variant and the reported condition. Therefore, this variant is classified as a variant of uncertain significance.

NM_170601.5(SIAE):c.545-5A>C

Gene: SIAE (sialic acid acetylesterase; minus strand). Cytogenetic location: 11q24.2.
Variant type: single nucleotide variant.
Coding change: c.545-5A>C on transcript NM_170601.5 (MANE Select); 5 bases into the intron before coding-DNA position 545, A replaced by C.
Molecular consequence: intron variant.
Genome position (GRCh38, 1-based): chr11:124,649,801, T>G on the plus strand (A>C on the coding strand, the complement: SIAE is on the minus strand). VCF-style: chr11-124649801-T-G. GRCh37 (hg19) VCF-style: chr11-124519697-T-G.
Other names: c.440-5A>C (NM_001199922.2).
Identifiers: ClinVar variation 4852698 (VCV004852698.2).